The following is an entry in ClinVar:

NM_001690.4(ATP6V1A):c.565-3T>C

Gene: ATP6V1A (ATPase H+ transporting V1 subunit A; plus strand). Cytogenetic location: 3q13.31.
Variant type: single nucleotide variant.
Coding change: c.565-3T>C on transcript NM_001690.4 (MANE Select); 3 bases into the intron before coding-DNA position 565, T replaced by C.
Molecular consequence: intron variant.
Genome position (GRCh38, 1-based): chr3:113,786,229, T>C. VCF-style: chr3-113786229-T-C. GRCh37 (hg19) VCF-style: chr3-113505076-T-C.
Other names: c.565-3T>C (NM_001690.3).
Identifiers: ClinVar variation 2983757 (VCV002983757.5), dbSNP rs1292245891, ClinGen allele CA897301937.
Genomic context (GRCh38, chr3:113,786,229, plus strand): 5'-TGATTTTGAAGGAAGAAATGTTCACAAATTTGACCATACTAAAATCCTACTGTATTTCTA[T>C]AGGATGTTGTCTTGGAGCTTGAATTTGAAGGTGTAAAGGAGAAGTTCACCATGGTGCAAG-3'

ClinVar aggregate classification (germline): Uncertain significance. Review status: criteria provided, single submitter (1 of 4 stars). 2 submissions from 2 submitters: Uncertain significance (1). 1 of the submissions does not count toward it. Last evaluated 2023-05-23.

Conditions:
ATP6V1A-related disorder. Also called: ATP6V1A-related condition.

Allele frequency attached by ClinVar (database versions not stated): TOPMed below 0.00001; gnomAD exomes 0.00001.

Submissions (2):

Labcorp Genetics (formerly Invitae), Labcorp
Classification: Uncertain significance. Last evaluated: 2023-05-23. Review status: criteria provided, single submitter. Criteria: Invitae Variant Classification Sherloc (09022015). Collection method: clinical testing. Allele origin: germline.
Comment: In summary, the available evidence is currently insufficient to determine the role of this variant in disease. Therefore, it has been classified as a Variant of Uncertain Significance. Variants that disrupt the consensus splice site are a relatively common cause of aberrant splicing (PMID: 17576681, 9536098). Algorithms developed to predict the effect of sequence changes on RNA splicing suggest that this variant is not likely to affect RNA splicing. This variant has not been reported in the literature in individuals affected with ATP6V1A-related conditions. This variant is not present in population databases (gnomAD no frequency). This sequence change falls in intron 5 of the ATP6V1A gene. It does not directly change the encoded amino acid sequence of the ATP6V1A protein. It affects a nucleotide within the consensus splice site.

PreventionGenetics, part of Exact Sciences
Classification: Likely benign for ATP6V1A-related condition. Last evaluated: 2023-02-23. Review status: no assertion criteria provided. Collection method: clinical testing. Allele origin: germline. Not counted in ClinVar's aggregate classification.
Comment: This variant is classified as likely benign based on ACMG/AMP sequence variant interpretation guidelines (Richards et al. 2015 PMID: 25741868, with internal and published modifications).

Literature cited by the submitters: PubMed 17576681 (cited by Labcorp Genetics (formerly Invitae), Labcorp); PubMed 9536098 (cited by Labcorp Genetics (formerly Invitae), Labcorp).